The following is an entry in ClinVar:

NM_004990.4(MARS1):c.31G>C (p.Gly11Arg)

Genes: ARHGAP9 (Rho GTPase activating protein 9; minus strand), MARS1 (methionyl-tRNA synthetase 1; plus strand). Cytogenetic location: 12q13.3.
Variant type: single nucleotide variant.
Coding change: c.31G>C on transcript NM_004990.4 (MANE Select); coding-DNA position 31, G replaced by C.
Protein change: p.Gly11Arg; replaces glycine 11 with arginine.
Molecular consequence: missense variant. On other transcripts: intron variant (1).
Genome position (GRCh38, 1-based): chr12:57,488,121, G>C. VCF-style: chr12-57488121-G-C. GRCh37 (hg19) VCF-style: chr12-57881904-G-C.
Other names: c.-204+491C>G (NM_001319850.2); short protein forms G11R.
Identifiers: ClinVar variation 2925127 (VCV002925127.3), dbSNP rs750309467, ClinGen allele CA237806101.
Genomic context (GRCh38, chr12:57,488,121, plus strand): 5'-CGGTTGCATCAGCGAGGGATTCACGGCGAAATGAGACTGTTCGTGAGTGATGGCGTCCCG[G>C]GTTGCTTGCCGGTGCTGGCCGCCGCCGGGAGAGCCCGGGGCAGAGCAGAGGTGCTCATCA-3'
Protein context (NP_004981.2, residues 1-21): MRLFVSDGVP[Gly11Arg]CLPVLAAAGR

ClinVar aggregate classification (germline): Uncertain significance (1 of 4 stars; one submission).

Conditions:
Severe early-onset pulmonary alveolar proteinosis due to MARS deficiency. Also called: PULMONARY ALVEOLAR PROTEINOSIS, REUNION ISLAND; Interstitial lung and liver disease. Identifiers: Orphanet 440427, MedGen C4225400, MONDO:0014206, OMIM 615486.
Charcot-Marie-Tooth disease axonal type 2U. Also called: CHARCOT-MARIE-TOOTH NEUROPATHY, TYPE 2U; CHARCOT-MARIE-TOOTH DISEASE, AXONAL, AUTOSOMAL DOMINANT, TYPE 2U. Identifiers: Orphanet 397735, MedGen C4084821, MONDO:0014566, OMIM 616280.

gnomAD v4.1: 2 of 1,614,190 alleles (0.00012%); highest among the groups gnomAD compares: Non-Finnish European, 0.00017%; no homozygotes.

Submission:

Labcorp Genetics (formerly Invitae), Labcorp
Classification: Uncertain significance for Charcot-Marie-Tooth disease axonal type 2U; Severe early-onset pulmonary alveolar proteinosis due to MARS deficiency. Last evaluated: 2025-08-25. Review status: criteria provided, single submitter. Criteria: Invitae Variant Classification Sherloc (09022015). Collection method: clinical testing. Allele origin: germline.
Comment: This sequence change replaces glycine, which is neutral and non-polar, with arginine, which is basic and polar, at codon 11 of the MARS protein (p.Gly11Arg). This variant is not present in population databases (gnomAD no frequency). This variant has not been reported in the literature in individuals affected with MARS-related conditions. ClinVar contains an entry for this variant (Variation ID: 2925127). An algorithm developed to predict the effect of missense changes on protein structure and function (PolyPhen-2) suggests that this variant is likely to be disruptive. In summary, the available evidence is currently insufficient to determine the role of this variant in disease. Therefore, it has been classified as a Variant of Uncertain Significance.